The following is an entry in ClinVar:

NM_001330360.2(POLA1):c.3943C>T (p.Arg1315Cys)

Gene: POLA1 (DNA polymerase alpha 1, catalytic subunit; plus strand). Cytogenetic location: Xp22.11.
Variant type: single nucleotide variant.
Coding change: c.3943C>T on transcript NM_001330360.2 (MANE Select); coding-DNA position 3943, C replaced by T.
Protein change: p.Arg1315Cys; replaces arginine 1315 with cysteine.
Molecular consequence: missense variant. On other transcripts: non-coding transcript variant (2).
Genome position (GRCh38, 1-based): chrX:24,843,573, C>T. VCF-style: chrX-24843573-C-T. GRCh37 (hg19) VCF-style: chrX-24861690-C-T.
Other names: c.3925C>T (NM_016937.3); c.3868C>T, p.Arg1290Cys (NM_001378303.1); c.3925C>T, p.Arg1309Cys (NM_016937.4); short protein forms R1290C, R1309C, R1315C.
Identifiers: ClinVar variation 1955831 (VCV001955831.7), dbSNP rs201607896, ClinGen allele CA327720199.

ClinVar aggregate classification (germline): Uncertain significance. Review status: criteria provided, multiple submitters, no conflicts (2 of 4 stars). 2 submissions from 2 submitters: Uncertain significance (2). Last evaluated 2026-01-25.

Conditions:
Inborn genetic diseases. Identifiers: MedGen C0950123, MeSH D030342.

Allele frequency attached by ClinVar (database versions not stated): TOPMed 0.00003; gnomAD 0.00004; gnomAD exomes 0.00005.
gnomAD v4.1: 62 of 1,191,259 alleles (0.0052%); highest among the groups gnomAD compares: Non-Finnish European, 0.0066%; no homozygotes.

Submissions (2):

Labcorp Genetics (formerly Invitae), Labcorp
Classification: Uncertain significance. Last evaluated: 2026-01-25. Review status: criteria provided, single submitter. Criteria: Invitae Variant Classification Sherloc (09022015). Collection method: clinical testing. Allele origin: germline.
Comment: This sequence change replaces arginine, which is basic and polar, with cysteine, which is neutral and slightly polar, at codon 1309 of the POLA1 protein (p.Arg1309Cys). This variant is present in population databases (rs201607896, gnomAD 0.006%). This variant has not been reported in the literature in individuals affected with POLA1-related conditions. ClinVar contains an entry for this variant (Variation ID: 1955831). Invitae Evidence Modeling of protein sequence and biophysical properties (such as structural, functional, and spatial information, amino acid conservation, physicochemical variation, residue mobility, and thermodynamic stability) indicates that this missense variant is not expected to disrupt POLA1 protein function with a negative predictive value of 80%. In summary, the available evidence is currently insufficient to determine the role of this variant in disease. Therefore, it has been classified as a Variant of Uncertain Significance.

Ambry Genetics
Classification: Uncertain significance for Inborn genetic diseases. Last evaluated: 2023-05-23. Review status: criteria provided, single submitter. Criteria: Ambry Variant Classification Scheme 2023. Collection method: clinical testing. Allele origin: germline.